The following is an entry in ClinVar:

ClinVar aggregate classification (germline): Uncertain significance (1 of 4 stars; one submission).

Conditions:
Meckel-Gruber syndrome. Also called: DYSENCEPHALIA SPLANCHNOCYSTICA; GRUBER SYNDROME; Dysencephalia splachnocystica. Identifiers: Orphanet 564, MedGen C0265215, MONDO:0018921.
Joubert syndrome. Also called: CEREBELLOPARENCHYMAL DISORDER IV; JOUBERT-BOLTSHAUSER SYNDROME; Familial aplasia of the vermis. Identifiers: Orphanet 475, MedGen C5979921, MONDO:0018772.

Submission:

Labcorp Genetics (formerly Invitae), Labcorp
Classification: Uncertain significance for Joubert syndrome; Meckel-Gruber syndrome. Last evaluated: 2023-06-13. Review status: criteria provided, single submitter. Criteria: Invitae Variant Classification Sherloc (09022015). Collection method: clinical testing. Allele origin: germline.
Comment: This sequence change replaces serine, which is neutral and polar, with threonine, which is neutral and polar, at codon 1157 of the RPGRIP1L protein (p.Ser1157Thr). This variant is not present in population databases (gnomAD no frequency). This variant has not been reported in the literature in individuals affected with RPGRIP1L-related conditions. ClinVar contains an entry for this variant (Variation ID: 1716204). Advanced modeling of protein sequence and biophysical properties (such as structural, functional, and spatial information, amino acid conservation, physicochemical variation, residue mobility, and thermodynamic stability) performed at Invitae indicates that this missense variant is not expected to disrupt RPGRIP1L protein function. In summary, the available evidence is currently insufficient to determine the role of this variant in disease. Therefore, it has been classified as a Variant of Uncertain Significance.

NM_015272.5(RPGRIP1L):c.3470G>C (p.Ser1157Thr)

Gene: RPGRIP1L (RPGRIP1 like; minus strand). Cytogenetic location: 16q12.2.
Variant type: single nucleotide variant.
Coding change: c.3470G>C on transcript NM_015272.5 (MANE Select); coding-DNA position 3470, G replaced by C.
Protein change: p.Ser1157Thr; replaces serine 1157 with threonine.
Molecular consequence: missense variant.
Genome position (GRCh38, 1-based): chr16:53,619,171, C>G on the plus strand (G>C on the coding strand, the complement: RPGRIP1L is on the minus strand). VCF-style: chr16-53619171-C-G. GRCh37 (hg19) VCF-style: chr16-53653083-C-G.
Other names: c.3230G>C, p.Ser1077Thr (NM_001127897.4); c.3332G>C, p.Ser1111Thr (NM_001308334.3); c.3368G>C, p.Ser1123Thr (NM_001330538.2); short protein forms S1077T, S1111T, S1123T, S1157T.
Identifiers: ClinVar variation 1716204 (VCV001716204.6), dbSNP rs2543791142, ClinGen allele CA395923637.
Genomic context (GRCh38, chr16:53,619,171, plus strand): 5'-CGACACTCAACAAACAGCCGTTGGATAGTGTCATCCATGGTTACTTGAGAATCATTAAGG[C>G]TTAGAGCTATGATCTCAATCCGAATTTTTTCTGATGGCTGTTTAAAGAGCAAAAACAAAA-3'
Protein context (NP_056087.2, residues 1147-1167): EKIRIEIIAL[Ser1157Thr]LNDSQVTMDD